The following is an entry in ClinVar:

ClinVar aggregate classification (germline): Uncertain significance. Review status: criteria provided, multiple submitters, no conflicts (2 of 4 stars). 2 submissions from 2 submitters: Uncertain significance (2). Last evaluated 2023-10-25.

Allele frequency attached by ClinVar (database versions not stated): ExAC 0.00001; gnomAD exomes 0.00002.
gnomAD v4.1: 19 of 1,569,518 alleles (0.0012%); highest among the groups gnomAD compares: South Asian, 0.017%; no homozygotes.

Submissions (2):

Ambry Genetics
Classification: Uncertain significance. Last evaluated: 2023-10-25. Review status: criteria provided, single submitter. Criteria: Ambry Variant Classification Scheme 2023. Collection method: clinical testing. Allele origin: germline.

Labcorp Genetics (formerly Invitae), Labcorp
Classification: Uncertain significance. Last evaluated: 2021-03-16. Review status: criteria provided, single submitter. Criteria: Invitae Variant Classification Sherloc (09022015). Collection method: clinical testing. Allele origin: germline.
Comment: In summary, the available evidence is currently insufficient to determine the role of this variant in disease. Therefore, it has been classified as a Variant of Uncertain Significance. Algorithms developed to predict the effect of missense changes on protein structure and function (SIFT, PolyPhen-2, Align-GVGD) all suggest that this variant is likely to be tolerated, but these predictions have not been confirmed by published functional studies and their clinical significance is uncertain. This variant has not been reported in the literature in individuals with RNF31-related conditions. This variant is present in population databases (rs758681145, ExAC 0.01%). This sequence change replaces lysine with glutamine at codon 483 of the RNF31 protein (p.Lys483Gln). The lysine residue is weakly conserved and there is a small physicochemical difference between lysine and glutamine.

NM_017999.5(RNF31):c.1447A>C (p.Lys483Gln)

Gene: RNF31 (ring finger protein 31; plus strand). Cytogenetic location: 14q12.
Variant type: single nucleotide variant.
Coding change: c.1447A>C on transcript NM_017999.5 (MANE Select); coding-DNA position 1447, A replaced by C.
Protein change: p.Lys483Gln; replaces lysine 483 with glutamine.
Molecular consequence: missense variant.
Genome position (GRCh38, 1-based): chr14:24,150,847, A>C. VCF-style: chr14-24150847-A-C. GRCh37 (hg19) VCF-style: chr14-24620056-A-C.
Other names: c.994A>C, p.Lys332Gln (NM_001310332.2); c.1447A>C (NM_017999.4); short protein forms K483Q, K332Q.
Identifiers: ClinVar variation 1479832 (VCV001479832.9), dbSNP rs758681145, ClinGen allele CA7125768.